The following is an entry in ClinVar:

ClinVar aggregate classification (germline): Uncertain significance (1 of 4 stars; one submission).

Conditions:
Immunodeficiency. Identifiers: MedGen C0021051, MONDO:0021094, HP:0002721.

Allele frequency attached by ClinVar (database versions not stated): gnomAD exomes 0.00001.
gnomAD v4.1: 5 of 1,614,120 alleles (0.00031%); highest among the groups gnomAD compares: Non-Finnish European, 0.00042%; no homozygotes.

Submission:

Labcorp Genetics (formerly Invitae), Labcorp
Classification: Uncertain significance for Immunodeficiency. Last evaluated: 2022-04-24. Review status: criteria provided, single submitter. Criteria: Invitae Variant Classification Sherloc (09022015). Collection method: clinical testing. Allele origin: germline.
Comment: This sequence change replaces isoleucine, which is neutral and non-polar, with valine, which is neutral and non-polar, at codon 562 of the NFAT5 protein (p.Ile562Val). In summary, the available evidence is currently insufficient to determine the role of this variant in disease. Therefore, it has been classified as a Variant of Uncertain Significance. Algorithms developed to predict the effect of missense changes on protein structure and function (SIFT, PolyPhen-2, Align-GVGD) all suggest that this variant is likely to be tolerated. This variant has not been reported in the literature in individuals affected with NFAT5-related conditions. This variant is not present in population databases (gnomAD no frequency).

NM_138713.4(NFAT5):c.1966A>G (p.Ile656Val)

Gene: NFAT5 (nuclear factor of activated T cells 5; plus strand). Cytogenetic location: 16q22.1.
Variant type: single nucleotide variant.
Coding change: c.1966A>G on transcript NM_138713.4 (MANE Select); coding-DNA position 1966, A replaced by G.
Protein change: p.Ile656Val; replaces isoleucine 656 with valine.
Molecular consequence: missense variant.
Genome position (GRCh38, 1-based): chr16:69,691,791, A>G. VCF-style: chr16-69691791-A-G. GRCh37 (hg19) VCF-style: chr16-69725694-A-G.
Other names: c.1963A>G, p.Ile655Val (NM_001113178.3); c.1291A>G, p.Ile431Val (NM_001367709.1); c.1912A>G, p.Ile638Val (NM_006599.4); c.1684A>G, p.Ile562Val (NM_138714.4, NM_173214.3, NM_173215.3); short protein forms I638V, I655V, I562V, I431V, I656V.
Identifiers: ClinVar variation 2130066 (VCV002130066.4), dbSNP rs2544227387, ClinGen allele CA396506929.